The following is an entry in ClinVar:

ClinVar aggregate classification (germline): Likely benign (1 of 4 stars; one submission).

Conditions:
BDNF-related disorder. Also called: BDNF-related condition.

gnomAD v4.1: 423 of 1,610,086 alleles (0.026%); highest among the groups gnomAD compares: Middle Eastern, 0.15%; no homozygotes.

Submission:

PreventionGenetics, part of Exact Sciences
Classification: Likely benign for BDNF-related condition. Last evaluated: 2025-12-09. Review status: criteria provided, single submitter. Criteria: ACMG Guidelines, 2015. Collection method: clinical testing. Allele origin: germline.
Comment: This variant is classified as likely benign based on ACMG/AMP sequence variant interpretation guidelines (Richards et al. 2015 PMID: 25741868, with internal and published modifications).

NM_001709.5(BDNF):c.-21-15586C>T

Genes: BDNF (brain derived neurotrophic factor; minus strand), BDNF-AS (BDNF antisense RNA; plus strand). Cytogenetic location: 11p14.1.
Variant type: single nucleotide variant.
Coding change: c.-21-15586C>T on transcript NM_001709.5 (MANE Select); 15586 bases into the intron before 21 bases upstream of the start codon, C replaced by T.
Molecular consequence: intron variant. On other transcripts: synonymous variant (1), 5 prime UTR variant (1).
Genome position (GRCh38, 1-based): chr11:27,674,171, G>A on the plus strand (C>T on the coding strand, the complement: BDNF is on the minus strand). VCF-style: chr11-27674171-G-A. GRCh37 (hg19) VCF-style: chr11-27695718-G-A.
Other names: c.114C>T, p.Tyr38= (NM_001143810.2); c.-250C>T (NM_001143811.2); c.4-15586C>T (NM_170731.5); c.-21-15586C>T (NM_001143805.1, NM_001143806.1, NM_170732.4 and 5 more transcripts); c.67-15586C>T (NM_001143809.2); c.-128-15245C>T (NM_001143814.2); c.25-15586C>T (NM_170734.4).
Identifiers: ClinVar variation 4981796 (VCV004981796.1).